The following is an entry in ClinVar:

ClinVar aggregate classification (germline): Likely benign (1 of 4 stars; one submission).

gnomAD v4.1: 2 of 1,211,554 alleles (0.00017%); highest among the groups gnomAD compares: Non-Finnish European, 0.00022%; no homozygotes.

Submission:

CeGaT Center for Human Genetics Tuebingen
Classification: Likely benign. Last evaluated: 2025-08-01. Review status: criteria provided, single submitter. Criteria: CeGaT Center For Human Genetics Tuebingen Variant Classification Criteria Version 2. Collection method: clinical testing. Allele origin: germline. Affected: yes. Observed: 1 variant allele.
Comment: GPC3: BP4, BP7

NM_004484.4(GPC3):c.600A>G (p.Gly200=)

Gene: GPC3 (glypican 3; minus strand). Cytogenetic location: Xq26.2.
Variant type: single nucleotide variant.
Coding change: c.600A>G on transcript NM_004484.4 (MANE Select); coding-DNA position 600, A replaced by G.
Protein change: p.Gly200=; no amino-acid change (glycine 200 retained).
Molecular consequence: synonymous variant.
Genome position (GRCh38, 1-based): chrX:133,753,914, T>C on the plus strand (A>G on the coding strand, the complement: GPC3 is on the minus strand). VCF-style: chrX-133753914-T-C. GRCh37 (hg19) VCF-style: chrX-132887941-T-C.
Other names: c.600A>G, p.Gly200= (NM_001164617.2); c.552A>G, p.Gly184= (NM_001164618.2); c.438A>G, p.Gly146= (NM_001164619.2).
Identifiers: ClinVar variation 4084762 (VCV004084762.8).